The following is an entry in ClinVar:

NM_003359.4(UGDH):c.709A>G (p.Ile237Val)

Gene: UGDH (UDP-glucose 6-dehydrogenase; minus strand). Cytogenetic location: 4p14.
Variant type: single nucleotide variant.
Coding change: c.709A>G on transcript NM_003359.4 (MANE Select); coding-DNA position 709, A replaced by G.
Protein change: p.Ile237Val; replaces isoleucine 237 with valine.
Molecular consequence: missense variant.
Genome position (GRCh38, 1-based): chr4:39,509,862, T>C on the plus strand (A>G on the coding strand, the complement: UGDH is on the minus strand). VCF-style: chr4-39509862-T-C. GRCh37 (hg19) VCF-style: chr4-39511482-T-C.
Other names: c.508A>G, p.Ile170Val (NM_001184700.2); c.418A>G, p.Ile140Val (NM_001184701.2); short protein forms I140V, I170V, I237V.
Identifiers: ClinVar variation 2430826 (VCV002430826.1), dbSNP rs1333993203, ClinGen allele CA356658497.

ClinVar aggregate classification (germline): Uncertain significance (1 of 4 stars; one submission).

Allele frequency attached by ClinVar (database versions not stated): gnomAD 0.00001.
gnomAD v4.1: 12 of 1,611,788 alleles (0.00074%); highest among the groups gnomAD compares: Admixed American, 0.0017%; no homozygotes.

Submission:

GeneDx
Classification: Uncertain significance. Last evaluated: 2022-08-26. Review status: criteria provided, single submitter. Criteria: GeneDx Variant Classification Process June 2021. Collection method: clinical testing. Allele origin: germline. Affected: yes.
Comment: Not observed at significant frequency in large population cohorts (gnomAD); In silico analysis supports that this missense variant does not alter protein structure/function; Has not been previously published as pathogenic or benign to our knowledge